The following is an entry in ClinVar:

ClinVar aggregate classification (germline): Benign. Review status: reviewed by expert panel (3 of 4 stars). 8 submissions from 8 submitters: Benign (1). 7 of the submissions do not count toward it. Last evaluated 2025-05-20.

Conditions:
RPGR-related retinopathy. Also called: RPGR retinopathy. Identifiers: MedGen CN305589, MONDO:0100437.
Primary ciliary dyskinesia. Also called: Ciliary dyskinesia. Identifiers: Orphanet 244, MedGen C0008780, MONDO:0016575, HP:0012265.
X-linked cone-rod dystrophy 1 (CORDX1). Identifiers: Orphanet 1872, MedGen C1844776, MONDO:0010566, OMIM 304020.

Submissions (8):

ClinGen X-linked Inherited Retinal Disease Variant Curation Expert Panel, ClinGen
Classification: Benign for RPGR-related retinopathy. Last evaluated: 2025-05-20. Review status: reviewed by expert panel. Criteria: ClinGen X LinkedIRD ACMG Specifications RPGR V1.0.0. Collection method: curation. Allele origin: germline. Inheritance: X-linked inheritance.
Comment: NM_001034853.2(RPGR):c.2606_2620del (p.Glu869_Glu873del) is a short in-frame deletion of 15 nucleotides that encode amino acids 869–873 within a low-complexity region (PMID: 27162334) that extends approximately from amino acids 787–1043 in RPGR (BP3). This variant is present in gnomAD v4.1.0 at a frequency of 0.007397 among hemizygous individuals, with 1,400 variant alleles / 189,256 total alleles, which is higher than the ClinGen X-linked IRD VCEP BA1 threshold of >0.00005 (BA1). In summary, this variant is classified as benign for RPGR-related retinopathy based on the ClinGen X-linked Inherited Retinal Disease Expert Panel Specifications to the ACMG/AMP Variant Interpretation Guidelines for RPGR Version 1.0.0; BA1 and BP3. (date of approval 05/16/2025).

Labcorp Genetics (formerly Invitae), Labcorp
Classification: Likely benign for Primary ciliary dyskinesia. Last evaluated: 2026-02-04. Review status: criteria provided, single submitter. Criteria: Invitae Variant Classification Sherloc (09022015). Collection method: clinical testing. Allele origin: germline. Not counted in ClinVar's aggregate classification.

Laboratory of Genetics, Children's Clinical University Hospital Latvia
Classification: Likely benign. Last evaluated: 2025-02-16. Review status: criteria provided, single submitter. Criteria: ACMG Guidelines, 2015. Collection method: clinical testing. Allele origin: germline. Affected: yes. Not counted in ClinVar's aggregate classification.

Blueprint Genetics
Classification: Likely benign. Last evaluated: 2024-11-28. Review status: criteria provided, single submitter. Criteria: ACMG Guidelines, 2015. Collection method: clinical testing. Allele origin: germline. Not counted in ClinVar's aggregate classification.

CeGaT Center for Human Genetics Tuebingen
Classification: Benign. Last evaluated: 2023-09-01. Review status: criteria provided, single submitter. Criteria: CeGaT Center For Human Genetics Tuebingen Variant Classification Criteria Version 2. Collection method: clinical testing. Allele origin: germline. Affected: yes. Observed: 7 variant alleles. Not counted in ClinVar's aggregate classification.
Comment: RPGR: BS1, BS2

DBGen Ocular Genomics
Classification: Uncertain significance for X-linked cone-rod dystrophy 1. Last evaluated: 2021-01-01. Review status: criteria provided, single submitter. Criteria: ACMG Guidelines, 2015. Collection method: clinical testing. Allele origin: unknown. Affected: yes. Not counted in ClinVar's aggregate classification.
Comment: Class 3 ACMG Guidelines, 2015

PreventionGenetics, part of Exact Sciences
Classification: Benign. Last evaluated: 2017-07-26. Review status: criteria provided, single submitter. Criteria: ACMG Guidelines, 2015. Collection method: clinical testing. Allele origin: germline. Not counted in ClinVar's aggregate classification.

Center for Pediatric Genomic Medicine, Children's Mercy Hospital and Clinics
Classification: Benign. Last evaluated: 2016-11-07. Review status: criteria provided, single submitter. Criteria: ACMG Guidelines, 2015. Collection method: clinical testing. Allele origin: germline. Not counted in ClinVar's aggregate classification.

NM_001034853.2(RPGR):c.2606_2620del (p.Glu869_Glu873del)

Gene: RPGR (retinitis pigmentosa GTPase regulator; minus strand). Cytogenetic location: Xp11.4.
Variant type: Deletion.
Coding change: c.2606_2620del on transcript NM_001034853.2 (MANE Select); coding-DNA positions 2606 to 2620, 15 bases deleted (AAGAAGGGGAGGAAG).
Protein change: p.Glu869_Glu873del.
Molecular consequence: inframe deletion. On other transcripts: intron variant (8).
Genome position (GRCh38, 1-based): chrX:38,286,379-38,286,393, CTTCCTCCCCTTCTT deleted on the plus strand (AAGAAGGGGAGGAAG on the coding strand, the reverse complement: RPGR is on the minus strand); deleting any 15 consecutive bases within chrX:38,286,379-38,286,394 gives the same sequence; the c. name uses the placement nearest the transcript's 3' end. VCF-style (leftmost placement, unchanged base first): chrX-38286378-CCTTCCTCCCCTTCTT-C. GRCh37 (hg19) VCF-style: chrX-38145631-CCTTCCTCCCCTTCTT-C.
Other names: NM_001034853.2(RPGR):c.2606_2620del; p.Glu869_Glu873del; c.1905+701_1905+715delAAGAAGGGGAGGAAG (NM_000328.2); c.1569+4566_1569+4580del (NM_001367249.1, NM_001367250.1); c.1902+701_1902+715del (NM_001367245.1); c.1386+4566_1386+4580del (NM_001367251.1); c.1719+701_1719+715del (NM_001367246.1); c.1572+4566_1572+4580del (NM_001367247.1); and 2 more.
Identifiers: ClinVar variation 237686 (VCV000237686.47), dbSNP rs200824587, ClinGen allele CA10385260.